The following is an entry in ClinVar:

NM_001378609.3(OTOGL):c.3382A>G (p.Lys1128Glu)

Gene: OTOGL (otogelin like; plus strand). Cytogenetic location: 12q21.31.
Variant type: single nucleotide variant.
Coding change: c.3382A>G on transcript NM_001378609.3 (MANE Select); coding-DNA position 3382, A replaced by G.
Protein change: p.Lys1128Glu; replaces lysine 1128 with glutamic acid.
Molecular consequence: missense variant.
Genome position (GRCh38, 1-based): chr12:80,310,659, A>G. VCF-style: chr12-80310659-A-G. GRCh37 (hg19) VCF-style: chr12-80704439-A-G.
Other names: c.3382A>G, p.Lys1128Glu (NM_173591.7, NM_001378610.3); c.3247A>G, p.Lys1083Glu (NM_001368062.3); short protein forms K1128E, K1083E.
Identifiers: ClinVar variation 4129290 (VCV004129290.3).
Genomic context (GRCh38, chr12:80,310,659, plus strand): 5'-TTTTTTCAACAGTGTGAAAGTCCAGATGAAACAATTAAACCCTGTGAGGCACATCAAAAC[A>G]AATTTCCTTATGCCAAGAAAGAATGCTCCATTTTGTACAGTGATATTTTTGCTTCTTGTC-3'
Protein context (NP_001365538.2, residues 1118-1138): TIKPCEAHQN[Lys1128Glu]FPYAKKECSI

ClinVar aggregate classification (germline): Uncertain significance. Review status: criteria provided, multiple submitters, no conflicts (2 of 4 stars). 2 submissions from 2 submitters: Uncertain significance (2). Last evaluated 2026-01-18.

Conditions:
Inborn genetic diseases. Identifiers: MedGen C0950123, MeSH D030342.

gnomAD v4.1: 8 of 1,597,518 alleles (0.0005%); highest among the groups gnomAD compares: Non-Finnish European, 0.00059%; no homozygotes.

Submissions (2):

GeneDx
Classification: Uncertain significance. Last evaluated: 2026-01-18. Review status: criteria provided, single submitter. Criteria: GeneDx Variant Classification Process June 2021. Collection method: clinical testing. Allele origin: germline.
Comment: Not observed at significant frequency in large population cohorts (gnomAD); In silico analysis supports that this missense variant has a deleterious effect on protein structure/function; Has not been previously published as pathogenic or benign to our knowledge

Ambry Genetics
Classification: Uncertain significance for Inborn genetic diseases. Last evaluated: 2025-08-20. Review status: criteria provided, single submitter. Criteria: Ambry Variant Classification Scheme 2023. Collection method: clinical testing. Allele origin: germline.